The following is an entry in ClinVar:

ClinVar aggregate classification (germline): Uncertain significance (1 of 4 stars; one submission).

Conditions:
Gastrointestinal stromal tumor. Also called: Gastrointestinal stroma tumor; Gastrointestinal stromal tumor, somatic. Identifiers: Orphanet 44890, MedGen C0238198, MeSH D046152, MONDO:0011719, OMIM 606764, HP:0100723.

Submission:

Labcorp Genetics (formerly Invitae), Labcorp
Classification: Uncertain significance for Gastrointestinal stromal tumor. Last evaluated: 2022-02-13. Review status: criteria provided, single submitter. Criteria: Invitae Variant Classification Sherloc (09022015). Collection method: clinical testing. Allele origin: germline.
Comment: This sequence change falls in intron 18 of the KIT gene. It does not directly change the encoded amino acid sequence of the KIT protein. It affects a nucleotide within the consensus splice site. This variant is not present in population databases (gnomAD no frequency). This variant has not been reported in the literature in individuals affected with KIT-related conditions. Variants that disrupt the consensus splice site are a relatively common cause of aberrant splicing (PMID: 17576681, 9536098). Algorithms developed to predict the effect of sequence changes on RNA splicing suggest that this variant may disrupt the consensus splice site. In summary, the available evidence is currently insufficient to determine the role of this variant in disease. Therefore, it has been classified as a Variant of Uncertain Significance.

Literature cited by the submitters: PubMed 17576681; PubMed 9536098.

NM_000222.3(KIT):c.2597-3del

Gene: KIT (KIT proto-oncogene, receptor tyrosine kinase; plus strand). Cytogenetic location: 4q12.
Variant type: Deletion.
Coding change: c.2597-3del on transcript NM_000222.3 (MANE Select); 3 bases into the intron before coding-DNA position 2597, one base deleted (C; older notation c.2597-3delC).
Molecular consequence: intron variant.
Genome position (GRCh38, 1-based): chr4:54,736,718, C deleted. VCF-style (leftmost placement, unchanged base first): chr4-54736717-TC-T. GRCh37 (hg19) VCF-style: chr4-55602883-TC-T.
Other names: c.2600-3del (NM_001385284.1); c.2597-3del (NM_001385290.1); c.2588-3del (NM_001385288.1); c.2585-3del (NM_001385292.1, NM_001093772.2); c.2594-3del (NM_001385285.1); c.2582-3del (NM_001385286.1).
Identifiers: ClinVar variation 2097413 (VCV002097413.4), dbSNP rs2475583506, ClinGen allele CA2580071127.
Genomic context (GRCh38, chr4:54,736,717, plus strand): 5'-TCTTGAAGTTTCATTGGTGTCCTGCTTCCTTGTGATTAACACTGCTTTGCAAACTGTGTC[TC>T]AGGAAGCAGCCCCTATCCTGGAATGCCGGTCGATTCTAAGTTCTACAAGATGATCAAGGA-3'